The following is an entry in ClinVar:

ClinVar aggregate classification (germline): Uncertain significance. Review status: criteria provided, multiple submitters, no conflicts (2 of 4 stars). 2 submissions from 2 submitters: Uncertain significance (2). Last evaluated 2022-07-20.

Allele frequency attached by ClinVar (database versions not stated): TOPMed below 0.00001.
gnomAD v4.1: 8 of 1,610,338 alleles (0.0005%); highest among the groups gnomAD compares: Middle Eastern, 0.016%; no homozygotes.

Submissions (2):

Blueprint Genetics
Classification: Uncertain significance. Last evaluated: 2022-07-20. Review status: criteria provided, single submitter. Criteria: ACMG Guidelines, 2015. Collection method: clinical testing. Allele origin: germline.

Labcorp Genetics (formerly Invitae), Labcorp
Classification: Uncertain significance. Last evaluated: 2022-04-23. Review status: criteria provided, single submitter. Criteria: Invitae Variant Classification Sherloc (09022015). Collection method: clinical testing. Allele origin: germline.
Comment: In summary, the available evidence is currently insufficient to determine the role of this variant in disease. Therefore, it has been classified as a Variant of Uncertain Significance. Advanced modeling of protein sequence and biophysical properties (such as structural, functional, and spatial information, amino acid conservation, physicochemical variation, residue mobility, and thermodynamic stability) performed at Invitae indicates that this missense variant is not expected to disrupt KCNV2 protein function. ClinVar contains an entry for this variant (Variation ID: 957686). This missense change has been observed in individual(s) with retinitis pigmentosa (PMID: 28512305). This variant is present in population databases (no rsID available, gnomAD 0.01%). This sequence change replaces glutamic acid, which is acidic and polar, with aspartic acid, which is acidic and polar, at codon 358 of the KCNV2 protein (p.Glu358Asp).

Literature cited by the submitters: PubMed 28512305 (cited by Labcorp Genetics (formerly Invitae), Labcorp).

NM_133497.4(KCNV2):c.1074G>C (p.Glu358Asp)

Gene: KCNV2 (potassium voltage-gated channel modifier subfamily V member 2; plus strand). Cytogenetic location: 9p24.2.
Variant type: single nucleotide variant.
Coding change: c.1074G>C on transcript NM_133497.4 (MANE Select); coding-DNA position 1074, G replaced by C.
Protein change: p.Glu358Asp; replaces glutamic acid 358 with aspartic acid.
Molecular consequence: missense variant.
Genome position (GRCh38, 1-based): chr9:2,718,813, G>C. VCF-style: chr9-2718813-G-C. GRCh37 (hg19) VCF-style: chr9-2718813-G-C.
Other names: short protein forms E358D.
Identifiers: ClinVar variation 957686 (VCV000957686.10), dbSNP rs1229495796, ClinGen allele CA372801654.